The following is an entry in ClinVar:

NM_018129.4(PNPO):c.431G>C (p.Gly144Ala)

Gene: PNPO (pyridoxamine 5'-phosphate oxidase; plus strand). Cytogenetic location: 17q21.32.
Variant type: single nucleotide variant.
Coding change: c.431G>C on transcript NM_018129.4 (MANE Select); coding-DNA position 431, G replaced by C.
Protein change: p.Gly144Ala; replaces glycine 144 with alanine.
Molecular consequence: missense variant.
Genome position (GRCh38, 1-based): chr17:47,945,874, G>C. VCF-style: chr17-47945874-G-C. GRCh37 (hg19) VCF-style: chr17-46023240-G-C.
Other names: short protein forms G144A.
Identifiers: ClinVar variation 859934 (VCV000859934.9), dbSNP rs762554901, ClinGen allele CA8629195.

ClinVar aggregate classification (germline): Uncertain significance. Review status: criteria provided, multiple submitters, no conflicts (2 of 4 stars). 4 submissions from 4 submitters: Uncertain significance (4). Last evaluated 2024-11-04.

Conditions:
Inborn genetic diseases. Identifiers: MedGen C0950123, MeSH D030342.
Pyridoxal phosphate-responsive seizures (PNPOD). Also called: Pyridoxamine 5-Prime-Phosphate Oxidase Deficiency; Pyridoxal 5'-Phosphate (PLP)-Dependent Epilepsy; SEIZURES, PYRIDOXINE-RESISTANT, PLP-SENSITIVE; EPILEPTIC ENCEPHALOPATHY, NEONATAL, PNPO-RELATED; Pyridoxine-5'-phosphate oxidase deficiency. Identifiers: Orphanet 79096, MedGen C1864723, MONDO:0012407, OMIM 610090. Disease mechanism: loss of function.

Allele frequency attached by ClinVar (database versions not stated): TOPMed 0.00002.
gnomAD v4.1: 14 of 1,613,638 alleles (0.00087%); highest among the groups gnomAD compares: Non-Finnish European, 0.0012%; no homozygotes.

Submissions (4):

Labcorp Genetics (formerly Invitae), Labcorp
Classification: Uncertain significance for Pyridoxal phosphate-responsive seizures. Last evaluated: 2024-11-04. Review status: criteria provided, single submitter. Criteria: Invitae Variant Classification Sherloc (09022015). Collection method: clinical testing. Allele origin: germline.
Comment: This sequence change replaces glycine, which is neutral and non-polar, with alanine, which is neutral and non-polar, at codon 144 of the PNPO protein (p.Gly144Ala). This variant is present in population databases (rs762554901, gnomAD 0.004%). This variant has not been reported in the literature in individuals affected with PNPO-related conditions. ClinVar contains an entry for this variant (Variation ID: 859934). Invitae Evidence Modeling of protein sequence and biophysical properties (such as structural, functional, and spatial information, amino acid conservation, physicochemical variation, residue mobility, and thermodynamic stability) indicates that this missense variant is not expected to disrupt PNPO protein function with a negative predictive value of 80%. In summary, the available evidence is currently insufficient to determine the role of this variant in disease. Therefore, it has been classified as a Variant of Uncertain Significance.

Blueprint Genetics
Classification: Uncertain significance. Last evaluated: 2024-09-24. Review status: criteria provided, single submitter. Criteria: ACMG Guidelines, 2015. Collection method: clinical testing. Allele origin: germline.

Ambry Genetics
Classification: Uncertain significance for Inborn genetic diseases. Last evaluated: 2022-11-22. Review status: criteria provided, single submitter. Criteria: Ambry Variant Classification Scheme 2023. Collection method: clinical testing. Allele origin: germline.

GeneDx
Classification: Uncertain significance. Last evaluated: 2019-10-30. Review status: criteria provided, single submitter. Criteria: GeneDx Variant Classification Process June 2021. Collection method: clinical testing. Allele origin: germline. Affected: yes.
Comment: Has not been previously published as pathogenic or benign to our knowledge; Not observed at a significant frequency in large population cohorts (Lek et al., 2016); In silico analysis, which includes protein predictors and evolutionary conservation, supports a deleterious effect